The following is an entry in ClinVar:

NM_024656.4(COLGALT1):c.1525C>G (p.Leu509Val)

Gene: COLGALT1 (collagen beta(1-O)galactosyltransferase 1; plus strand). Cytogenetic location: 19p13.11.
Variant type: single nucleotide variant.
Coding change: c.1525C>G on transcript NM_024656.4 (MANE Select); coding-DNA position 1525, C replaced by G.
Protein change: p.Leu509Val; replaces leucine 509 with valine.
Molecular consequence: missense variant.
Genome position (GRCh38, 1-based): chr19:17,580,829, C>G. VCF-style: chr19-17580829-C-G. GRCh37 (hg19) VCF-style: chr19-17691638-C-G.
Other names: short protein forms L509V.
Identifiers: ClinVar variation 2160194 (VCV002160194.2), dbSNP rs140576945, ClinGen allele CA9297339.
Genomic context (GRCh38, chr19:17,580,829, plus strand): 5'-GAGGCCGACTATTCCTACTGGACCCTGGCCTACGTGATCTCCCTGCAAGGCGCCCGCAAA[C>G]TGCTGGCTGCTGAGCCGCTCTCCAAGATGCTGCCTGTGGACGAGTTCCTGCCCGTCATGT-3'
Protein context (NP_078932.2, residues 499-519): YVISLQGARK[Leu509Val]LAAEPLSKML

ClinVar aggregate classification (germline): Uncertain significance (1 of 4 stars; one submission).

Allele frequency attached by ClinVar (database versions not stated): ExAC 0.00015; gnomAD 0.00036; TOPMed 0.00043; 1000 Genomes Project 30x 0.00047; 1000 Genomes Project 0.00060; ESP Exome Variant Server 0.00069.

Submission:

Labcorp Genetics (formerly Invitae), Labcorp
Classification: Uncertain significance. Last evaluated: 2023-08-30. Review status: criteria provided, single submitter. Criteria: Invitae Variant Classification Sherloc (09022015). Collection method: clinical testing. Allele origin: germline.
Comment: In summary, the available evidence is currently insufficient to determine the role of this variant in disease. Therefore, it has been classified as a Variant of Uncertain Significance. Advanced modeling of protein sequence and biophysical properties (such as structural, functional, and spatial information, amino acid conservation, physicochemical variation, residue mobility, and thermodynamic stability) performed at Invitae indicates that this missense variant is expected to disrupt COLGALT1 protein function. ClinVar contains an entry for this variant (Variation ID: 2160194). This variant has not been reported in the literature in individuals affected with COLGALT1-related conditions. This variant is present in population databases (rs140576945, gnomAD 0.1%). This sequence change replaces leucine, which is neutral and non-polar, with valine, which is neutral and non-polar, at codon 509 of the COLGALT1 protein (p.Leu509Val).